The following is an entry in ClinVar:

NM_000238.4(KCNH2):c.182A>G (p.Gln61Arg)

Gene: KCNH2 (potassium voltage-gated channel subfamily H member 2; minus strand). Cytogenetic location: 7q36.1.
Variant type: single nucleotide variant.
Coding change: c.182A>G on transcript NM_000238.4 (MANE Select); coding-DNA position 182, A replaced by G.
Protein change: p.Gln61Arg; replaces glutamine 61 with arginine.
Molecular consequence: missense variant. On other transcripts: non-coding transcript variant (1).
Genome position (GRCh38, 1-based): chr7:150,974,836, T>C on the plus strand (A>G on the coding strand, the complement: KCNH2 is on the minus strand). VCF-style: chr7-150974836-T-C. GRCh37 (hg19) VCF-style: chr7-150671924-T-C.
Other names: c.5A>G, p.Gln2Arg (NM_001406755.1); c.182A>G, p.Gln61Arg (NM_172056.3); short protein forms Q61R, Q2R.
Identifiers: ClinVar variation 2735106 (VCV002735106.4), dbSNP rs2486156328, ClinGen allele CA369865705.

ClinVar aggregate classification (germline): Uncertain significance. Review status: criteria provided, multiple submitters, no conflicts (2 of 4 stars). 2 submissions from 2 submitters: Uncertain significance (2). Last evaluated 2025-12-26.

Conditions:
Cardiovascular phenotype. Identifiers: MedGen CN230736.
Long QT syndrome (LQTS). Identifiers: MedGen C0023976, MeSH D008133, MONDO:0002442. Disease mechanism: loss of function. Inheritance: Various modes of inheritance.

Submissions (2):

Ambry Genetics
Classification: Uncertain significance for Cardiovascular phenotype. Last evaluated: 2025-12-26. Review status: criteria provided, single submitter. Criteria: Ambry Variant Classification Scheme 2023. Collection method: clinical testing. Allele origin: germline.
Comment: The p.Q61R variant (also known as c.182A>G), located in coding exon 2 of the KCNH2 gene, results from an A to G substitution at nucleotide position 182. The glutamine at codon 61 is replaced by arginine, an amino acid with highly similar properties. This variant was reported in individual(s) with features consistent with long QT syndrome (Stattin EL et al. BMC Cardiovasc Disord, 2012 Oct;12:95; Walsh R et al. Genet Med, 2021 Jan;23:47-58). In an assay testing KCNH2 function, this variant showed a functionally normal result (Ng CA et al. Am J Hum Genet, 2022 Jul;109:1208-1216). This amino acid position is highly conserved in available vertebrate species. In addition, this alteration is predicted to be deleterious by in silico analysis. Based on the available evidence, the clinical significance of this variant remains unclear.

Labcorp Genetics (formerly Invitae), Labcorp
Classification: Uncertain significance for Long QT syndrome. Last evaluated: 2023-06-25. Review status: criteria provided, single submitter. Criteria: Invitae Variant Classification Sherloc (09022015). Collection method: clinical testing. Allele origin: germline.
Comment: In summary, the available evidence is currently insufficient to determine the role of this variant in disease. Therefore, it has been classified as a Variant of Uncertain Significance. An algorithm developed to predict the effect of missense changes on protein structure and function (PolyPhen-2) suggests that this variant is likely to be tolerated. This missense change has been observed in individual(s) with Long QT Syndrome (PMID: 23098067). This variant is not present in population databases (gnomAD no frequency). This sequence change replaces glutamine, which is neutral and polar, with arginine, which is basic and polar, at codon 61 of the KCNH2 protein (p.Gln61Arg).

Literature cited by the submitters: PubMed 23098067 (cited by Ambry Genetics and Labcorp Genetics (formerly Invitae), Labcorp); PubMed 32893267 (cited by Ambry Genetics); PubMed 35688148 (cited by Ambry Genetics).